The following is an entry in ClinVar:

ClinVar aggregate classification (germline): Uncertain significance. Review status: criteria provided, multiple submitters, no conflicts (2 of 4 stars). 2 submissions from 2 submitters: Uncertain significance (2). Last evaluated 2022-05-12.

Conditions:
Primary ciliary dyskinesia. Also called: Ciliary dyskinesia. Identifiers: Orphanet 244, MedGen C0008780, MONDO:0016575, HP:0012265.

Allele frequency attached by ClinVar (database versions not stated): TOPMed 0.00001.
gnomAD v4.1: 2 of 1,614,134 alleles (0.00012%); highest among the groups gnomAD compares: Admixed American, 0.0033%; no homozygotes.

Submissions (2):

Labcorp Genetics (formerly Invitae), Labcorp
Classification: Uncertain significance for Primary ciliary dyskinesia. Last evaluated: 2022-05-12. Review status: criteria provided, single submitter. Criteria: Invitae Variant Classification Sherloc (09022015). Collection method: clinical testing. Allele origin: germline.
Comment: In summary, the available evidence is currently insufficient to determine the role of this variant in disease. Therefore, it has been classified as a Variant of Uncertain Significance. Algorithms developed to predict the effect of missense changes on protein structure and function output the following: SIFT: "Deleterious"; PolyPhen-2: "Benign"; Align-GVGD: "Class C0". The aspartic acid amino acid residue is found in multiple mammalian species, which suggests that this missense change does not adversely affect protein function. This variant has not been reported in the literature in individuals affected with CCDC40-related conditions. This variant is present in population databases (rs745594044, gnomAD 0.006%). This sequence change replaces glutamic acid, which is acidic and polar, with aspartic acid, which is acidic and polar, at codon 969 of the CCDC40 protein (p.Glu969Asp).

Ambry Genetics
Classification: Uncertain significance for Primary ciliary dyskinesia. Last evaluated: 2019-10-20. Review status: criteria provided, single submitter. Criteria: Ambry Variant Classification Scheme 2023. Collection method: clinical testing. Allele origin: germline.
Comment: The p.E969D variant (also known as c.2907G>C), located in coding exon 18 of the CCDC40 gene, results from a G to C substitution at nucleotide position 2907. The glutamic acid at codon 969 is replaced by aspartic acid, an amino acid with highly similar properties. This amino acid position is not well conserved in available vertebrate species, and aspartic acid is the reference amino acid in other vertebrate species. In addition, this alteration is predicted to be tolerated by in silico analysis. Since supporting evidence is limited at this time, the clinical significance of this alteration remains unclear.

NM_017950.4(CCDC40):c.2907G>C (p.Glu969Asp)

Gene: CCDC40 (coiled-coil domain 40 molecular ruler complex subunit; plus strand). Cytogenetic location: 17q25.3.
Variant type: single nucleotide variant.
Coding change: c.2907G>C on transcript NM_017950.4 (MANE Select); coding-DNA position 2907, G replaced by C.
Protein change: p.Glu969Asp; replaces glutamic acid 969 with aspartic acid.
Molecular consequence: missense variant.
Genome position (GRCh38, 1-based): chr17:80,095,337, G>C. VCF-style: chr17-80095337-G-C. GRCh37 (hg19) VCF-style: chr17-78069136-G-C.
Other names: short protein forms E969D.
Identifiers: ClinVar variation 1797526 (VCV001797526.7), dbSNP rs745594044, ClinGen allele CA8814547.